The following is an entry in ClinVar:

NM_000435.3(NOTCH3):c.1204T>A (p.Cys402Ser)

Gene: NOTCH3 (notch receptor 3; minus strand). Cytogenetic location: 19p13.12.
Variant type: single nucleotide variant.
Coding change: c.1204T>A on transcript NM_000435.3 (MANE Select); coding-DNA position 1204, T replaced by A.
Protein change: p.Cys402Ser; replaces cysteine 402 with serine.
Molecular consequence: missense variant.
Genome position (GRCh38, 1-based): chr19:15,189,163, A>T on the plus strand (T>A on the coding strand, the complement: NOTCH3 is on the minus strand). VCF-style: chr19-15189163-A-T. GRCh37 (hg19) VCF-style: chr19-15299974-A-T.
Other names: p.Cys402Ser; short protein forms C402S.
Identifiers: ClinVar variation 585590 (VCV000585590.3), dbSNP rs1568360524, ClinGen allele CA404528461.

ClinVar aggregate classification (germline): Pathogenic/Likely pathogenic. Review status: criteria provided, multiple submitters, no conflicts (2 of 4 stars). 2 submissions from 2 submitters: Pathogenic (1); Likely pathogenic (1). Last evaluated 2025-10-10.

Submissions (2):

Mayo Clinic Laboratories, Mayo Clinic
Classification: Likely pathogenic. Last evaluated: 2025-10-10. Review status: criteria provided, single submitter. Criteria: ACMG Guidelines, 2015. Collection method: clinical testing. Allele origin: germline. Observed: 1 variant allele.
Comment: PP2, PP3_strong, PM1, PM2_supporting

Athena Diagnostics
Classification: Pathogenic. Last evaluated: 2020-08-25. Review status: criteria provided, single submitter. Criteria: Athena Diagnostics criteria. Collection method: clinical testing. Allele origin: unknown.
Comment: This variant was not reported in large, multi-ethnic, general populations. This variant has been identified in at least one individual with clinical features associated with this gene. This variant alters a critical location within the protein, and is expected to severely affect function and cause disease. Greater than 90% of NOTCH3 pathogenic mutations associated with CADASIL involve the gain or loss of a cysteine residue within the epidermal growth factor (EGF)-like repeat domain (PMID: 32457593, 20301673).

Literature cited by the submitters: PubMed 35641310 (cited by Mayo Clinic Laboratories, Mayo Clinic).